The following is an entry in ClinVar:

NM_176869.3(PPA2):c.727G>T (p.Val243Leu)

Gene: PPA2 (inorganic pyrophosphatase 2; minus strand). Cytogenetic location: 4q24.
Variant type: single nucleotide variant.
Coding change: c.727G>T on transcript NM_176869.3 (MANE Select); coding-DNA position 727, G replaced by T.
Protein change: p.Val243Leu; replaces valine 243 with leucine.
Molecular consequence: missense variant.
Genome position (GRCh38, 1-based): chr4:105,399,093, C>A on the plus strand (G>T on the coding strand, the complement: PPA2 is on the minus strand). VCF-style: chr4-105399093-C-A. GRCh37 (hg19) VCF-style: chr4-106320250-C-A.
Other names: p.Val243Leu; c.640G>T, p.Val214Leu (NM_006903.4); c.421G>T, p.Val141Leu (NM_176866.2); c.229G>T, p.Val77Leu (NM_176867.3); short protein forms V77L, V243L, V141L, V214L.
Identifiers: ClinVar variation 787274 (VCV000787274.14), dbSNP rs148492084, ClinGen allele CA3032446.

ClinVar aggregate classification (germline): Benign/Likely benign. Review status: criteria provided, multiple submitters, no conflicts (2 of 4 stars). 5 submissions from 5 submitters: Benign (3); Likely benign (2). Last evaluated 2026-02-03.

Allele frequency attached by ClinVar (database versions not stated): ESP Exome Variant Server 0.01023; gnomAD exomes 0.00064 and 0.00183; ExAC 0.00232; 1000 Genomes Project 30x 0.00515; 1000 Genomes Project 0.00539; gnomAD 0.00686 and 0.00747; TOPMed 0.00811.
gnomAD v4.1: 2,012 of 1,611,118 alleles (0.12%); highest among the groups gnomAD compares: African/African-American, 2.4%; 31 homozygotes.

Submissions (5):

Labcorp Genetics (formerly Invitae), Labcorp
Classification: Benign. Last evaluated: 2026-02-03. Review status: criteria provided, single submitter. Criteria: Invitae Variant Classification Sherloc (09022015). Collection method: clinical testing. Allele origin: germline.

Molecular Diagnostic Laboratory for Inherited Cardiovascular Disease, Montreal Heart Institute
Classification: Benign. Last evaluated: 2025-04-09. Review status: criteria provided, single submitter. Criteria: ACMG Guidelines, 2015. Collection method: clinical testing. Allele origin: germline. Affected: no.
Comment: BS1;BP4;BP6

Mayo Clinic Laboratories, Mayo Clinic
Classification: Benign. Last evaluated: 2023-05-01. Review status: criteria provided, single submitter. Criteria: ACMG Guidelines, 2015. Collection method: clinical testing. Allele origin: germline. Observed: 6 variant alleles.
Comment: BS1, BS2, BP4

GeneDx
Classification: Likely benign. Last evaluated: 2020-12-09. Review status: criteria provided, single submitter. Criteria: GeneDx Variant Classification Process June 2021. Collection method: clinical testing. Allele origin: germline. Affected: yes.

Breakthrough Genomics
Classification: Likely benign. Review status: criteria provided, single submitter. Criteria: ACMG Guidelines, 2015. Collection method: not provided. Allele origin: germline. Inheritance: Autosomal recessive inheritance. Affected: yes.